The following is an entry in ClinVar:

ClinVar aggregate classification (germline): Uncertain significance (1 of 4 stars; one submission).

Conditions:
Sialuria. Also called: SIALURIA, FRENCH TYPE; Sialic Acid Storage Disease. Identifiers: Orphanet 3166, MedGen C0342853, MONDO:0010028, OMIM 269921.
GNE myopathy (NM). Also called: MYOPATHY, DISTAL, WITH OR WITHOUT RIMMED VACUOLES; NONAKA DISTAL MYOPATHY; INCLUSION BODY MYOPATHY, HEREDITARY, AUTOSOMAL RECESSIVE; INCLUSION BODY MYOPATHY 2, AUTOSOMAL RECESSIVE; IBM 2; Inclusion body myopathy autosomal recessive. Identifiers: Orphanet 602, MedGen C1853926, MONDO:0011603, OMIM 605820.

Allele frequency attached by ClinVar (database versions not stated): gnomAD exomes below 0.00001.
gnomAD v4.1: 1 of 1,613,676 alleles (0.000062%); highest among the groups gnomAD compares: Admixed American, 0.0017%; no homozygotes.

Submission:

Labcorp Genetics (formerly Invitae), Labcorp
Classification: Uncertain significance for Sialuria; GNE myopathy. Last evaluated: 2021-08-31. Review status: criteria provided, single submitter. Criteria: Invitae Variant Classification Sherloc (09022015). Collection method: clinical testing. Allele origin: germline.
Comment: This sequence change replaces methionine with valine at codon 234 of the GNE protein (p.Met234Val). The methionine residue is highly conserved and there is a small physicochemical difference between methionine and valine. This variant is not present in population databases (ExAC no frequency). This variant has not been reported in the literature in individuals affected with GNE-related conditions. Algorithms developed to predict the effect of missense changes on protein structure and function (SIFT, PolyPhen-2, Align-GVGD) all suggest that this variant is likely to be tolerated. In summary, the available evidence is currently insufficient to determine the role of this variant in disease. Therefore, it has been classified as a Variant of Uncertain Significance.

NM_005476.7(GNE):c.607A>G (p.Met203Val)

Gene: GNE (glucosamine (UDP-N-acetyl)-2-epimerase/N-acetylmannosamine kinase; minus strand). Cytogenetic location: 9p13.3.
Variant type: single nucleotide variant.
Coding change: c.607A>G on transcript NM_005476.7 (MANE Select); coding-DNA position 607, A replaced by G.
Protein change: p.Met203Val; replaces methionine 203 with valine.
Molecular consequence: missense variant.
Genome position (GRCh38, 1-based): chr9:36,246,040, T>C on the plus strand (A>G on the coding strand, the complement: GNE is on the minus strand). VCF-style: chr9-36246040-T-C. GRCh37 (hg19) VCF-style: chr9-36246037-T-C.
Other names: c.700A>G, p.Met234Val (NM_001128227.3); c.607A>G, p.Met203Val (NM_001190383.3, NM_001374797.1); c.430A>G, p.Met144Val (NM_001190384.3, NM_001190388.2, NM_001374798.1); short protein forms M203V, M234V, M144V.
Identifiers: ClinVar variation 581210 (VCV000581210.6), dbSNP rs1269845468, ClinGen allele CA373417978.